The following is an entry in ClinVar:

ClinVar aggregate classification (germline): Uncertain significance (1 of 4 stars; one submission).

Conditions:
Spinocerebellar ataxia, autosomal recessive, with axonal neuropathy 2 (SCAN2). Also called: Ataxia-ocular apraxia-2; Ataxia with Oculomotor Apraxia Type 2; Ataxia with Oculomotor Apraxia; ATAXIA-OCULOMOTOR APRAXIA 2. Identifiers: Orphanet 64753, MedGen C1853761, MONDO:0018996, OMIM 606002.
Amyotrophic lateral sclerosis type 4 (ALS4). Also called: NEURONOPATHY, DISTAL HEREDITARY MOTOR, WITH PYRAMIDAL FEATURES; AMYOTROPHIC LATERAL SCLEROSIS 4, JUVENILE. Identifiers: Orphanet 357043, MedGen C1865409, MONDO:0011223, OMIM 602433.

Submission:

Labcorp Genetics (formerly Invitae), Labcorp
Classification: Uncertain significance for Amyotrophic lateral sclerosis type 4; Spinocerebellar ataxia, autosomal recessive, with axonal neuropathy 2. Last evaluated: 2025-08-13. Review status: criteria provided, single submitter. Criteria: Invitae Variant Classification Sherloc (09022015). Collection method: clinical testing. Allele origin: germline.
Comment: This variant, c.8001_8003del, results in the deletion of 1 amino acid(s) of the SETX protein (p.Glu2667del), but otherwise preserves the integrity of the reading frame. This variant is not present in population databases (gnomAD no frequency). This variant has not been reported in the literature in individuals affected with SETX-related conditions. Experimental studies and prediction algorithms are not available or were not evaluated, and the functional significance of this variant is currently unknown. In summary, the available evidence is currently insufficient to determine the role of this variant in disease. Therefore, it has been classified as a Variant of Uncertain Significance.

NM_015046.7(SETX):c.7998GGA[1] (p.Glu2667del)

Gene: SETX (senataxin; minus strand). Cytogenetic location: 9q34.13.
Variant type: Microsatellite.
Coding change: c.7998GGA[1] on transcript NM_015046.7 (MANE Select); one copy of the 3-base unit GGA starting at c.7998; the reference has two copies in a row; one copy, 3 bases deleted.
Protein change: p.Glu2667del; deletes glutamic acid 2667.
Genome position (GRCh38, 1-based): chr9:132,264,270-132,264,272, TCC deleted on the plus strand (GGA on the coding strand, the reverse complement: SETX is on the minus strand); deleting any 3 consecutive bases within chr9:132,264,270-132,264,276 gives the same sequence; the position shown is the placement nearest the transcript's 3' end. VCF-style (leftmost placement, unchanged base first): chr9-132264269-GTCC-G. GRCh37 (hg19) VCF-style: chr9-135139656-GTCC-G.
Other names: c.7998GGA[1], p.Glu2667del (NM_001351527.2); c.8085GGA[1], p.Glu2696del (NM_001351528.2); short protein forms E2696del, E2667del.
Identifiers: ClinVar variation 4793257 (VCV004793257.1).
Genomic context (GRCh38, chr9:132,264,269, plus strand): 5'-GTGGCTGCTGGCCCATGTCACTGGGCTTTCCTATAAAAGCTTTCTTTTCTTGGAACTGCT[GTCC>G]TCCTGCTCCAGTGTCCTCTTGTCCCACCTAGAGTTCCTCCTGGTGTGATGGGTCTCGGAA-3'